The following is an entry in ClinVar:

ClinVar aggregate classification (germline): Pathogenic/Likely pathogenic. Review status: criteria provided, multiple submitters, no conflicts (2 of 4 stars). 3 submissions from 3 submitters: Pathogenic (2); Likely pathogenic (1). Last evaluated 2025-03-29.

Conditions:
Polycystic kidney disease 4 (PKD4). Also called: POLYCYSTIC KIDNEY DISEASE 4 WITH OR WITHOUT POLYCYSTIC LIVER DISEASE; Autosomal Recessive Polycystic Kidney Disease – PKHD1; PKD3; POLYCYSTIC KIDNEY AND HEPATIC DISEASE 1; POLYCYSTIC KIDNEY DISEASE, INFANTILE, TYPE I. Identifiers: MedGen C4540575, MONDO:0033004, OMIM 263200.
Autosomal recessive polycystic kidney disease (ARPKD). Also called: AR polycystic kidney disease. Identifiers: Orphanet 731, Orphanet 8378, MedGen C0085548, MeSH D017044, MONDO:0009889.

Submissions (3):

Myriad Genetics, Inc.
Classification: Pathogenic for Polycystic kidney disease 4. Last evaluated: 2025-03-29. Review status: criteria provided, single submitter. Criteria: Myriad Autosomal Dominant, Autosomal Recessive and X-Linked Classification Criteria (2023). Collection method: clinical testing. Allele origin: unknown.
Comment: NM_138694.3(PKHD1):c.4778_4779delTA(I1593Rfs*16) is expected to be pathogenic in the context of autosomal recessive polycystic kidney disease, PKHD1-related. This variant is predicted to lead to an abnormal or absent protein product due to the creation of a premature termination codon in PKHD1, a gene where loss-of-function variants are known to be pathogenic. Please note: this variant was assessed in the context of healthy population screening.

Natera, Inc.
Classification: Likely pathogenic for Autosomal recessive polycystic kidney disease. Last evaluated: 2025-02-13. Review status: criteria provided, single submitter. Criteria: Natera Variant Classification Schema (03/2026). Collection method: clinical testing. Allele origin: germline.
Comment: The c.4778_4779del variant in PKHD1 is a frameshift variant predicted to shift the reading frame beginning at codon 1593 and leads to a stop codon 16 codons downstream. This variant is expected to result in nonsense mediated decay, truncation, or a dysfunctional protein product. This variant is rare in the general population with a frequency below the threshold expected for the associated phenotype(s). Given the available evidence, this variant is classified as Likely Pathogenic.

Labcorp Genetics (formerly Invitae), Labcorp
Classification: Pathogenic for Autosomal recessive polycystic kidney disease. Last evaluated: 2021-09-17. Review status: criteria provided, single submitter. Criteria: Invitae Variant Classification Sherloc (09022015). Collection method: clinical testing. Allele origin: germline.
Comment: For these reasons, this variant has been classified as Pathogenic. This variant has not been reported in the literature in individuals affected with PKHD1-related conditions. This variant is not present in population databases (ExAC no frequency). This sequence change creates a premature translational stop signal (p.Ile1593Argfs*16) in the PKHD1 gene. It is expected to result in an absent or disrupted protein product. Loss-of-function variants in PKHD1 are known to be pathogenic (PMID: 19940839).

Literature cited by the submitters: PubMed 19940839 (cited by Labcorp Genetics (formerly Invitae), Labcorp).

NM_138694.4(PKHD1):c.4778_4779del (p.Ile1593fs)

Genes: PKHD1 (PKHD1 ciliary IPT domain containing fibrocystin/polyductin; minus strand), LOC126859690 (MED14-independent group 3 enhancer GRCh37_chr6:51888848-51890047; plus strand). Cytogenetic location: 6p12.2.
Variant type: Deletion.
Coding change: c.4778_4779del on transcript NM_138694.4 (MANE Select); coding-DNA positions 4778 to 4779, 2 bases deleted (TA; older notation c.4778_4779delTA).
Protein change: p.Ile1593fs; shifts the reading frame from isoleucine 1593.
Molecular consequence: frameshift variant.
Genome position (GRCh38, 1-based): chr6:52,025,031-52,025,032, TA deleted on the plus strand (TA on the coding strand, the reverse complement: PKHD1 is on the minus strand); deleting any 2 consecutive bases within chr6:52,025,031-52,025,033 gives the same sequence; the c. name uses the placement nearest the transcript's 3' end. VCF-style (leftmost placement, unchanged base first): chr6-52025030-CTA-C. GRCh37 (hg19) VCF-style: chr6-51889828-CTA-C.
Other names: c.4778_4779del (NM_138694.3); c.4778_4779del, p.Ile1593fs (NM_170724.3); short protein forms I1593fs.
Identifiers: ClinVar variation 1454879 (VCV001454879.9), dbSNP rs2128142610, ClinGen allele CA2573140963.
Genomic context (GRCh38, chr6:52,025,030, plus strand): 5'-GGCAGGTCTGCTGGTCAATATAGACTGACGTGGTGTTCTGTCCTCTCAGGCCTGTGCCCT[CTA>C]TGGTCAAGAGGCTTCCACCATGTAAGCTGAAATTCTTAGGAAAATAATGAAACACTTGGG-3'